The following is an entry in ClinVar:

ClinVar aggregate classification (germline): Benign. Review status: no assertion criteria provided (0 of 4 stars). 2 submissions from 2 submitters: Benign (1). 1 of the submissions does not count toward it. Last evaluated 2019-10-22.

Conditions:
PLA2G7-related disorder. Also called: PLA2G7-related condition.

Allele frequency attached by ClinVar (database versions not stated): ESP Exome Variant Server 0.26649; TOPMed 0.27895; ExAC 0.30326; 1000 Genomes Project 30x 0.31512; 1000 Genomes Project 0.31749.
gnomAD v4.1: 445,484 of 1,612,368 alleles (28%); highest among the groups gnomAD compares: South Asian, 50%; 65,276 homozygotes.

Submissions (2):

PreventionGenetics, part of Exact Sciences
Classification: Benign for PLA2G7-related condition. Last evaluated: 2019-10-22. Review status: no assertion criteria provided. Collection method: clinical testing. Allele origin: germline.
Comment: This variant is classified as benign based on ACMG/AMP sequence variant interpretation guidelines (Richards et al. 2015 PMID: 25741868, with internal and published modifications).

Lab. of Molecular Biology of Arterial Hypertension University of Padova
No classification provided. Review status: no classification provided. Collection method: not provided. Allele origin: unknown. Not counted in ClinVar's aggregate classification.

NM_005084.4(PLA2G7):c.275G>A (p.Arg92His)

Gene: PLA2G7 (phospholipase A2 group VII; minus strand). Cytogenetic location: 6p12.3.
Variant type: single nucleotide variant.
Coding change: c.275G>A on transcript NM_005084.4 (MANE Select); coding-DNA position 275, G replaced by A.
Protein change: p.Arg92His; replaces arginine 92 with histidine.
Molecular consequence: missense variant.
Genome position (GRCh38, 1-based): chr6:46,716,485, C>T on the plus strand (G>A on the coding strand, the complement: PLA2G7 is on the minus strand). VCF-style: chr6-46716485-C-T. GRCh37 (hg19) VCF-style: chr6-46684222-C-T.
Other names: c.275G>A, p.Arg92His (NM_001168357.2); c.275G>A (NM_005084.3); short protein forms R92H.
Identifiers: ClinVar variation 56163 (VCV000056163.3), dbSNP rs1805017, ClinGen allele CA215977.